The following is an entry in ClinVar:

NM_004960.4(FUS):c.1573C>A (p.Pro525Thr)

Gene: FUS (FUS RNA binding protein; plus strand). Cytogenetic location: 16p11.2.
Variant type: single nucleotide variant.
Coding change: c.1573C>A on transcript NM_004960.4 (MANE Select); coding-DNA position 1573, C replaced by A.
Protein change: p.Pro525Thr; replaces proline 525 with threonine.
Molecular consequence: missense variant. On other transcripts: non-coding transcript variant (1).
Genome position (GRCh38, 1-based): chr16:31,191,430, C>A. VCF-style: chr16-31191430-C-A. GRCh37 (hg19) VCF-style: chr16-31202751-C-A.
Other names: c.1570C>A, p.Pro524Thr (NM_001170634.1); c.1561C>A, p.Pro521Thr (NM_001170937.1); short protein forms P521T, P525T, P524T.
Identifiers: ClinVar variation 2046744 (VCV002046744.4), dbSNP rs1555509699, ClinGen allele CA395677540.

ClinVar aggregate classification (germline): Pathogenic (1 of 4 stars; one submission).

Conditions:
Tremor, hereditary essential, 4 (ETM4). Identifiers: MedGen C3539195, MONDO:0013888, OMIM 614782.
Amyotrophic lateral sclerosis type 6. Also called: FUS-Related Amyotrophic Laterial Sclerosis; AMYOTROPHIC LATERAL SCLEROSIS 6 WITHOUT FRONTOTEMPORAL DEMENTIA; Amyotrophic lateral sclerosis 6, with or without frontotemporal dementia. Identifiers: Orphanet 275872, Orphanet 803, MedGen C2931786, MONDO:0011951, OMIM 608030.

Submission:

Labcorp Genetics (formerly Invitae), Labcorp
Classification: Pathogenic for Tremor, hereditary essential, 4; Amyotrophic lateral sclerosis type 6. Last evaluated: 2024-01-02. Review status: criteria provided, single submitter. Criteria: Invitae Variant Classification Sherloc (09022015). Collection method: clinical testing. Allele origin: germline.
Comment: This sequence change replaces proline, which is neutral and non-polar, with threonine, which is neutral and polar, at codon 525 of the FUS protein (p.Pro525Thr). This variant is not present in population databases (gnomAD no frequency). This missense change has been observed in individual(s) with amyotrophic lateral sclerosis (Invitae). In at least one individual the variant was observed to be de novo. ClinVar contains an entry for this variant (Variation ID: 2046744). An algorithm developed to predict the effect of missense changes on protein structure and function (PolyPhen-2) suggests that this variant is likely to be disruptive. This variant disrupts the p.Pro525 amino acid residue in FUS. Other variant(s) that disrupt this residue have been determined to be pathogenic (PMID: 19251627, 20579074, 21604077, 21907581, 22980027, 27123482). This suggests that this residue is clinically significant, and that variants that disrupt this residue are likely to be disease-causing. For these reasons, this variant has been classified as Pathogenic.

Literature cited by the submitters: PubMed 19251627; PubMed 20579074; PubMed 21604077; PubMed 21907581; PubMed 22980027; PubMed 27123482.